The following is an entry in ClinVar:

NM_001130987.2(DYSF):c.2386C>T (p.Arg796Cys)

Gene: DYSF (dysferlin; plus strand). Cytogenetic location: 2p13.2.
Variant type: single nucleotide variant.
Coding change: c.2386C>T on transcript NM_001130987.2 (MANE Select); coding-DNA position 2386, C replaced by T.
Protein change: p.Arg796Cys; replaces arginine 796 with cysteine.
Molecular consequence: missense variant.
Genome position (GRCh38, 1-based): chr2:71,561,921, C>T. VCF-style: chr2-71561921-C-T. GRCh37 (hg19) VCF-style: chr2-71789051-C-T.
Other names: NM_001130987.2(DYSF):c.2386C>T; p.Arg796Cys; c.2335C>T, p.Arg779Cys (NM_001130455.2, NM_001130983.2); c.2290C>T, p.Arg764Cys (NM_001130976.2, NM_001130977.2); c.2332C>T, p.Arg778Cys (NM_001130978.2, NM_003494.4); c.2425C>T, p.Arg809Cys (NM_001130979.2); c.2383C>T, p.Arg795Cys (NM_001130980.2, NM_001130981.2); c.2428C>T, p.Arg810Cys (NM_001130982.2); and 2 more; short protein forms R778C, R796C, R779C, R795C, R809C, R810C, R764C, R765C.
Identifiers: ClinVar variation 195748 (VCV000195748.19), dbSNP rs143568054, ClinGen allele CA242324.

ClinVar aggregate classification (germline): Uncertain significance. Review status: reviewed by expert panel (3 of 4 stars). 8 submissions from 8 submitters: Uncertain significance (1). 7 of the submissions do not count toward it. Last evaluated 2026-01-20.

Conditions:
Neuromuscular disease caused by qualitative or quantitative defects of dysferlin. Also called: Qualitative or quantitative defects of dysferlin; Dysferlinopathy. Identifiers: Orphanet 207073, MedGen C2931687, MONDO:0016145.
Autosomal recessive limb-girdle muscular dystrophy. Identifiers: Orphanet 102015, MedGen C2931907, MONDO:0015152.
Autosomal recessive limb-girdle muscular dystrophy type 2B (LGMDR2). Also called: MUSCULAR DYSTROPHY, LIMB-GIRDLE, TYPE 3; Limb-girdle muscular dystrophy, type 2B; Limb-Girdle Muscular Dystrophy Type 2B (LGMD2B); MUSCULAR DYSTROPHY, LIMB-GIRDLE, AUTOSOMAL RECESSIVE 2. Identifiers: Orphanet 268, MedGen C1850889, MONDO:0009676, OMIM 253601.

Allele frequency attached by ClinVar (database versions not stated): ESP Exome Variant Server 0.00008; gnomAD exomes 0.00004; ExAC 0.00005; TOPMed 0.00009; gnomAD 0.00010.
gnomAD v4.1: 205 of 1,613,910 alleles (0.013%); highest among the groups gnomAD compares: Non-Finnish European, 0.016%; no homozygotes.

Submissions (8):

ClinGen Limb Girdle Muscular Dystrophy Variant Curation Expert Panel, ClinGen
Classification: Uncertain significance for Autosomal recessive limb-girdle muscular dystrophy. Last evaluated: 2026-01-20. Review status: reviewed by expert panel. Criteria: ClinGen LGMD VCEP ACMG Specifications DYSF V2.0.0. Collection method: curation. Allele origin: germline. Inheritance: Autosomal recessive inheritance.
Comment: The NM_003494.4: c.2332C>T variant in DYSF, which is also known as NM_001130987.2: c.2386C>T (p.Arg796Cys), is a missense variant predicted to cause substitution of arginine to cysteine at amino acid 778, p.(Arg778Cys). This variant has been observed in at least three individuals with suspected LGMD, where it was identified in a heterozygous state with no second variant in DYSF and additional heterozygous variants in other genes (PMID: 36983702, 30564623; LOVD DYSF_000850; PM3_Supporting and PP4 not met). One of these individuals also showed normal dysferlin expression in blood monocytes. The the upper bound of the 95% CI of the Grpmax variant allele frequency in gnomAD v4.1.0 is 0.000178 (186/1179982 European (non-Finnish) chromosomes), which is greater than the LGMD VCEP threshold (≤0.0001) (PM2_Supporting not met). The computational predictor REVEL gives a score of 0.63 (PP3 and BP4 not met). In summary, due to insufficient evidence, this variant is classified as a variant of uncertain significance for autosomal recessive limb girdle muscular dystrophy based on the ACMG/AMP criteria applied, as specified by the ClinGen LGMD VCEP (specifications version 2.0.0; 01/20/2026): no codes applied.

GeneDx
Classification: Uncertain significance. Last evaluated: 2026-09-30. Review status: criteria provided, single submitter. Criteria: GeneDx Variant Classification Process June 2021. Collection method: clinical testing. Allele origin: germline. Not counted in ClinVar's aggregate classification.
Comment: Reported as a heterozygous variant in patients with Limb-Girdle muscular weakness and clinical suspicion of dysferlinopathy in the published literature; however, a second variant in DYSF was not identified in these patients (PMID: 36983702, 39678382); Not observed at significant frequency in large population cohorts (gnomAD); In silico analysis supports that this missense variant has a deleterious effect on protein structure/function; This variant is associated with the following publications: (PMID: 36983702, 39678382)

Blueprint Genetics
Classification: Uncertain significance. Last evaluated: 2024-11-14. Review status: criteria provided, single submitter. Criteria: ACMG Guidelines, 2015. Collection method: clinical testing. Allele origin: germline. Not counted in ClinVar's aggregate classification.

Revvity Omics, Revvity
Classification: Uncertain significance. Last evaluated: 2022-11-03. Review status: criteria provided, single submitter. Criteria: ACMG Guidelines, 2015. Collection method: clinical testing. Allele origin: germline. Not counted in ClinVar's aggregate classification.

Labcorp Genetics (formerly Invitae), Labcorp
Classification: Uncertain significance for Neuromuscular disease caused by qualitative or quantitative defects of dysferlin. Last evaluated: 2022-02-09. Review status: criteria provided, single submitter. Criteria: Invitae Variant Classification Sherloc (09022015). Collection method: clinical testing. Allele origin: germline. Not counted in ClinVar's aggregate classification.
Comment: This sequence change replaces arginine, which is basic and polar, with cysteine, which is neutral and slightly polar, at codon 778 of the DYSF protein (p.Arg778Cys). This variant is present in population databases (rs143568054, gnomAD 0.01%). This variant has not been reported in the literature in individuals affected with DYSF-related conditions. ClinVar contains an entry for this variant (Variation ID: 195748). Algorithms developed to predict the effect of missense changes on protein structure and function are either unavailable or do not agree on the potential impact of this missense change (SIFT: "Deleterious"; PolyPhen-2: "Possibly Damaging"; Align-GVGD: "Class C0"). In summary, the available evidence is currently insufficient to determine the role of this variant in disease. Therefore, it has been classified as a Variant of Uncertain Significance.

Illumina Laboratory Services, Illumina
Classification: Uncertain significance for Qualitative or quantitative defects of dysferlin. Last evaluated: 2018-01-12. Review status: criteria provided, single submitter. Criteria: ICSL Variant Classification Criteria 13 December 2019. Collection method: clinical testing. Allele origin: germline. Not counted in ClinVar's aggregate classification.

Eurofins Ntd Llc (ga)
Classification: Uncertain significance. Last evaluated: 2016-12-28. Review status: criteria provided, single submitter. Criteria: EGL Classification Definitions 2015. Collection method: clinical testing. Allele origin: germline. Observed: 4 variant alleles, 4 heterozygotes. Not counted in ClinVar's aggregate classification.

Natera, Inc.
Classification: Uncertain significance for Limb-girdle muscular dystrophy type 2B. Last evaluated: 2020-01-24. Review status: no assertion criteria provided. Collection method: clinical testing. Allele origin: germline. Not counted in ClinVar's aggregate classification.